The following is an entry in ClinVar:

NM_198525.3(KIF7):c.602C>T (p.Ala201Val)

Gene: KIF7 (kinesin family member 7; minus strand). Cytogenetic location: 15q26.1.
Variant type: single nucleotide variant.
Coding change: c.602C>T on transcript NM_198525.3 (MANE Select); coding-DNA position 602, C replaced by T.
Protein change: p.Ala201Val; replaces alanine 201 with valine.
Molecular consequence: missense variant.
Genome position (GRCh38, 1-based): chr15:89,649,295, G>A on the plus strand (C>T on the coding strand, the complement: KIF7 is on the minus strand). VCF-style: chr15-89649295-G-A. GRCh37 (hg19) VCF-style: chr15-90192526-G-A.
Other names: short protein forms A201V.
Identifiers: ClinVar variation 3707111 (VCV003707111.2).

ClinVar aggregate classification (germline): Uncertain significance (1 of 4 stars; one submission).

Conditions:
Acrocallosal syndrome (ACLS). Also called: HALLUX DUPLICATION, POSTAXIAL POLYDACTYLY, AND ABSENCE OF CORPUS CALLOSUM; Schinzel syndrome 1; Absence of corpus callosum with unusual facial appearance, mental deficiency, duplication of the halluces and polydactyly. Identifiers: Orphanet 36, MedGen C0796147, MONDO:0008708, OMIM 200990.

Submission:

Labcorp Genetics (formerly Invitae), Labcorp
Classification: Uncertain significance for Acrocallosal syndrome. Last evaluated: 2024-08-05. Review status: criteria provided, single submitter. Criteria: Invitae Variant Classification Sherloc (09022015). Collection method: clinical testing. Allele origin: germline.
Comment: This sequence change replaces alanine, which is neutral and non-polar, with valine, which is neutral and non-polar, at codon 201 of the KIF7 protein (p.Ala201Val). This variant is not present in population databases (gnomAD no frequency). This variant has not been reported in the literature in individuals affected with KIF7-related conditions. Advanced modeling of protein sequence and biophysical properties (such as structural, functional, and spatial information, amino acid conservation, physicochemical variation, residue mobility, and thermodynamic stability) performed at Invitae indicates that this missense variant is not expected to disrupt KIF7 protein function with a negative predictive value of 80%. In summary, the available evidence is currently insufficient to determine the role of this variant in disease. Therefore, it has been classified as a Variant of Uncertain Significance.